The following is an entry in ClinVar:

NM_014239.4(EIF2B2):c.*3G>C

Gene: EIF2B2 (eukaryotic translation initiation factor 2B subunit beta; plus strand). Cytogenetic location: 14q24.3.
Variant type: single nucleotide variant.
Coding change: c.*3G>C on transcript NM_014239.4 (MANE Select); 3 bases downstream of the stop codon, G replaced by C.
Molecular consequence: 3 prime UTR variant.
Genome position (GRCh38, 1-based): chr14:75,009,191, G>C. VCF-style: chr14-75009191-G-C. GRCh37 (hg19) VCF-style: chr14-75475894-G-C.
Identifiers: ClinVar variation 260364 (VCV000260364.12), dbSNP rs112087431, ClinGen allele CA7275132.

ClinVar aggregate classification (germline): Benign/Likely benign. Review status: criteria provided, multiple submitters, no conflicts (2 of 4 stars). 4 submissions from 4 submitters: Benign (1); Likely benign (3). Last evaluated 2023-06-14.

Allele frequency attached by ClinVar (database versions not stated): ExAC 0.01585; gnomAD 0.01958; TOPMed 0.02196; ESP Exome Variant Server 0.02222; 1000 Genomes Project 0.02656; 1000 Genomes Project 30x 0.02686.
gnomAD v4.1: 22,269 of 1,613,784 alleles (1.4%); highest among the groups gnomAD compares: African/African-American, 4.7%; 260 homozygotes.

Submissions (4):

Mayo Clinic Laboratories, Mayo Clinic
Classification: Benign. Last evaluated: 2023-06-14. Review status: criteria provided, single submitter. Criteria: ACMG Guidelines, 2015. Collection method: clinical testing. Allele origin: germline. Observed: 17 variant alleles.
Comment: BS1, BS2

Eurofins Ntd Llc (ga)
Classification: Likely benign. Last evaluated: 2017-01-31. Review status: criteria provided, single submitter. Criteria: EGL Classification Definitions 2015. Collection method: clinical testing. Allele origin: germline. Observed: 1 variant allele, 1 heterozygote.

Breakthrough Genomics
Classification: Likely benign. Review status: criteria provided, single submitter. Criteria: ACMG Guidelines, 2015. Collection method: not provided. Allele origin: germline. Inheritance: Autosomal recessive inheritance. Affected: yes.

PreventionGenetics, part of Exact Sciences
Classification: Likely benign. Review status: criteria provided, single submitter. Criteria: ACMG Guidelines, 2015. Collection method: clinical testing. Allele origin: germline.